The following is an entry in ClinVar:

NM_000059.4(BRCA2):c.3455T>G (p.Leu1152Ter)

Gene: BRCA2 (BRCA2 DNA repair associated; plus strand). Cytogenetic location: 13q13.1.
Variant type: single nucleotide variant.
Coding change: c.3455T>G on transcript NM_000059.4 (MANE Select); coding-DNA position 3455, T replaced by G.
Protein change: p.Leu1152Ter; replaces leucine 1152 with a stop codon.
Molecular consequence: nonsense.
Genome position (GRCh38, 1-based): chr13:32,337,810, T>G. VCF-style: chr13-32337810-T-G. GRCh37 (hg19) VCF-style: chr13-32911947-T-G.
Other names: short protein forms L1152*.
Identifiers: ClinVar variation 51470 (VCV000051470.25), dbSNP rs80358593, ClinGen allele CA018097.
Genomic context (GRCh38, chr13:32,337,810, plus strand): 5'-AACCAAGCTACATATTGCAGAAGAGTACATTTGAAGTGCCTGAAAACCAGATGACTATCT[T>G]AAAGACCACTTCTGAGGAATGCAGAGATGCTGATCTTCATGTCATAATGAATGCCCCATC-3'

ClinVar aggregate classification (germline): Pathogenic. Review status: reviewed by expert panel (3 of 4 stars). 12 submissions from 12 submitters: Pathogenic (1). 11 of the submissions do not count toward it. Last evaluated 2016-09-08.

Conditions:
Hereditary cancer-predisposing syndrome. Also called: Neoplastic Syndromes, Hereditary; Hereditary Cancer Syndrome; Tumor predisposition; Hereditary neoplastic syndrome. Identifiers: Orphanet 140162, MedGen C0027672, MeSH D009386, MONDO:0015356.
Hereditary breast ovarian cancer syndrome. Also called: BRCA1- and BRCA2-Associated Hereditary Breast and Ovarian Cancer; Hereditary breast and ovarian cancer syndrome; Hereditary breast and ovarian cancer syndrome (HBOC); Hereditary breast and/or ovarian cancer syndrome; Hereditary breast and ovarian cancer; Breast and ovarian cancer. Identifiers: Orphanet 145, MedGen C0677776, MeSH D061325, MONDO:0003582. Disease mechanism: loss of function.
Breast-ovarian cancer, familial, susceptibility to, 2 (BROVCA2). Also called: BRCA2 Hereditary Breast and Ovarian Cancer. Identifiers: Orphanet 145, MedGen C2675520, MONDO:0012933, OMIM 612555. Disease mechanism: loss of function.
Familial cancer of breast. Also called: hereditary breast carcinoma; Hereditary breast cancer; BREAST CANCER, FAMILIAL. Identifiers: Orphanet 227535, MedGen C0346153, MONDO:0016419, OMIM 114480. Disease mechanism: loss of function.
Malignant tumor of breast. Also called: Malignant breast neoplasm; Cancer breast. Identifiers: MedGen C0006142, MONDO:0007254. Disease mechanism: loss of function.

Allele frequency attached by ClinVar (database versions not stated): gnomAD exomes below 0.00001; ExAC 0.00001.
gnomAD v4.1: 2 of 1,614,094 alleles (0.00012%); highest among the groups gnomAD compares: South Asian, 0.0022%; no homozygotes.

Submissions (12):

Evidence-based Network for the Interpretation of Germline Mutant Alleles (ENIGMA)
Classification: Pathogenic for Breast-ovarian cancer, familial, susceptibility to, 2. Last evaluated: 2016-09-08. Review status: reviewed by expert panel. Criteria: ENIGMA BRCA1/2 Classification Criteria (2015). Collection method: curation. Allele origin: germline.
Comment: Variant allele predicted to encode a truncated non-functional protein.

Dasa
Classification: Pathogenic for Breast-ovarian cancer, familial, susceptibility to, 2. Last evaluated: 2026-04-21. Review status: criteria provided, single submitter. Criteria: DASA Assertion Criteria. Collection method: clinical testing. Allele origin: germline. Not counted in ClinVar's aggregate classification.
Comment: NM_000059.4(BRCA2):c.3455T>G (p.Leu1152*) introduces a premature termination codon predicted to result in loss of normal protein function. Loss-of-function is an established mechanism of disease for this gene. This variant has been reported in individuals with Breast-ovarian cancer, familial, susceptibility to, 2. The variant is present at low frequency in population datasets. Based on the available data, this variant is classified as pathogenic.

Women's Health and Genetics/Laboratory Corporation of America, LabCorp
Classification: Pathogenic for Hereditary breast ovarian cancer syndrome. Last evaluated: 2025-04-23. Review status: criteria provided, single submitter. Criteria: LabCorp Variant Classification Summary - May 2015. Collection method: clinical testing. Allele origin: germline. Not counted in ClinVar's aggregate classification.
Comment: Variant summary: BRCA2 c.3455T>G (p.Leu1152X) results in a premature termination codon, predicted to cause a truncation of the encoded protein or absence of the protein due to nonsense mediated decay, which are commonly known mechanisms for disease. The variant allele was found at a frequency of 4e-06 in 251000 control chromosomes. c.3455T>G has been observed in individual(s) affected with Hereditary Breast And Ovarian Cancer Syndrome (Gutirrez-Enrquez_2011, Pecuchet_2013, Nik-Zainal_2012). These data indicate that the variant is very likely to be associated with disease. At least one publication reports experimental evidence evaluating an impact on protein function, however, does not allow convincing conclusions about the variant effect (Caux-Moncoutier_2009). The following publications have been ascertained in the context of this evaluation (PMID: 19471317, 25447315, 20625817, 22608084, 23754601, 28477318). ClinVar contains an entry for this variant (Variation ID: 51470). Based on the evidence outlined above, the variant was classified as pathogenic.

Labcorp Genetics (formerly Invitae), Labcorp
Classification: Pathogenic for Hereditary breast ovarian cancer syndrome. Last evaluated: 2024-02-14. Review status: criteria provided, single submitter. Criteria: Invitae Variant Classification Sherloc (09022015). Collection method: clinical testing. Allele origin: germline. Not counted in ClinVar's aggregate classification.
Comment: This sequence change creates a premature translational stop signal (p.Leu1152*) in the BRCA2 gene. It is expected to result in an absent or disrupted protein product. Loss-of-function variants in BRCA2 are known to be pathogenic (PMID: 20104584). This variant is present in population databases (rs80358593, gnomAD 0.003%). This premature translational stop signal has been observed in individual(s) with a personal or family history of breast and/or ovarian cancer (PMID: 20625817, 28477318, 29446198, 29470806). This variant is also known as 3683T>G. ClinVar contains an entry for this variant (Variation ID: 51470). For these reasons, this variant has been classified as Pathogenic.

Quest Diagnostics Nichols Institute San Juan Capistrano
Classification: Pathogenic. Last evaluated: 2022-12-14. Review status: criteria provided, single submitter. Criteria: Quest Diagnostics criteria. Collection method: clinical testing. Allele origin: unknown. Not counted in ClinVar's aggregate classification.
Comment: This nonsense variant causes the premature termination of BRCA2 protein synthesis. The frequency of this variant in the general population, 0.000004 (1/250978 chromosomes), is consistent with pathogenicity. In the published literature, the variant has been reported in individuals and families affected with breast and/or ovarian cancer (PMIDs: 29470806 (2018), 20625817 (2011)). Based on the available information, this variant is classified as pathogenic.

Ambry Genetics
Classification: Pathogenic for Hereditary cancer-predisposing syndrome. Last evaluated: 2022-08-16. Review status: criteria provided, single submitter. Criteria: Ambry Variant Classification Scheme 2023. Collection method: clinical testing. Allele origin: germline. Not counted in ClinVar's aggregate classification.
Comment: The p.L1152* pathogenic mutation (also known as c.3455T>G), located in coding exon 10 of the BRCA2 gene, results from a T to G substitution at nucleotide position 3455. This changes the amino acid from a leucine to a stop codon within coding exon 10. This alteration has been reported in multiple families with breast and/or ovarian cancer (Caux-Moncoutier V et al. Eur. J. Hum. Genet., 2009 Nov;17:1471-80; Guti&eacute;rrez-Enr&iacute;quez S et al. Breast Cancer Res. Treat., 2011 Jun;127:611-22; Gabaldo Barrios et al. Fam. Cancer 2017 10;16(4):477-489; Rebbeck et al. Hum. Mutat. 2018 05;39(5):593-620; Singh et al. Breast Cancer Res. Treat. 2018 Jul;170(1):189-196; Hu et al. JAMA 2018 06;319(23):2401-2409). Of note, this alteration is also designated as 3683T>G in published literature. In addition to the clinical data presented in the literature, this alteration is expected to result in loss of function by premature protein truncation or nonsense-mediated mRNA decay. As such, this alteration is interpreted as a disease-causing mutation.

Baylor Genetics
Classification: Pathogenic for Familial cancer of breast. Last evaluated: 2021-06-22. Review status: criteria provided, single submitter. Criteria: ACMG Guidelines, 2015. Collection method: clinical testing. Allele origin: unknown. Not counted in ClinVar's aggregate classification.

Genomic Research Center, Shahid Beheshti University of Medical Sciences
Classification: Pathogenic for Breast-ovarian cancer, familial 2. Last evaluated: 2020-05-03. Review status: criteria provided, single submitter. Criteria: ACMG Guidelines, 2015. Collection method: clinical testing. Allele origin: unknown. Affected: yes. Not counted in ClinVar's aggregate classification.

GeneDx
Classification: Pathogenic. Last evaluated: 2018-05-04. Review status: criteria provided, single submitter. Criteria: GeneDx Variant Classification (06012015). Collection method: clinical testing. Allele origin: germline. Affected: yes. Not counted in ClinVar's aggregate classification.
Comment: This variant is denoted BRCA2 c.3455T>G at the cDNA level and p.Leu1152Ter (L1152X) at the protein level. The substitution creates a nonsense variant, which changes a Leucine to a premature stop codon (TTA>TGA), and is predicted to cause loss of normal protein function through either protein truncation or nonsense-mediated mRNA decay. This variant, also known as BRCA2 3683T>G using alternate nomenclature, has been reported in association with hereditary breast and ovarian cancer syndrome (Guti?rrez-Enr?quez 2011, Gabald? Barrios 2017) and is considered pathogenic.

Consortium of Investigators of Modifiers of BRCA1/2 (CIMBA), c/o University of Cambridge
Classification: Pathogenic for Breast-ovarian cancer, familial, susceptibility to, 2. Last evaluated: 2015-10-02. Review status: criteria provided, single submitter. Criteria: CIMBA Mutation Classification guidelines May 2016. Collection method: clinical testing. Allele origin: germline. Not counted in ClinVar's aggregate classification.

Breast Cancer Information Core (BIC) (BRCA2)
Classification: Pathogenic for Breast-ovarian cancer, familial 2. Last evaluated: 2001-10-29. Review status: no assertion criteria provided. Collection method: clinical testing. Allele origin: germline. Affected: yes. Observed: 1 variant allele. Not counted in ClinVar's aggregate classification.

Department of Pathology and Laboratory Medicine, Sinai Health System
Classification: Pathogenic for Malignant tumor of breast. Review status: no assertion criteria provided. Collection method: clinical testing. Allele origin: unknown. Affected: yes. Study: The Canadian Open Genetics Repository (COGR). Not counted in ClinVar's aggregate classification.
Comment: The BRCA2 p.Leu1152* variant was identified in 1 of 152 proband chromosomes (frequency: 0.0065) from individuals or families with family history of breast or ovarian cancer (GutiâˆšÂ©rrez-Enrâˆšâ‰ quez 2010). The variant was also identified in the following databases: dbSNP (ID: rs80358593) as â€šÃ„ÃºWith Pathogenic alleleâ€šÃ„Ã¹, ClinVar (5x as pathogenic by ENIGMA, CIMBA, Ambry Genetics, Quest Diagnostics and BIC), LOVD 3.0 (4x as pathogenic), UMD-LSDB (5x as causal), BIC Database (1x as pathogenic) and ARUP Laboratories (1x as definitely pathogenic). The variant was not identified in COGR, Cosmic, MutDB or Zhejiang University Database. The variant was identified in control databases in 1 of 245748 chromosomes at a frequency of 0.000004 (Genome Aggregation Database Feb 27, 2017). The variant was observed in the South Asian population in 1 of 30772 chromosomes (freq: 0.00003); but not in the African, Other, Latino, European Non-Finnish, Ashkenazi Jewish, East Asian or Finnish populations. The BRCA2 c.3455T>G variant was used as a positive control in an allelic imbalance assay (Caux-Moncoutier 2009). The c.3455T>G variant leads to a premature stop codon at position 1152 which is predicted to lead to a truncated or absent protein and loss of function. Loss of function variants of the BRCA2 gene are an established mechanism of disease in hereditary breast and ovarian cancer and is the type of variant expected to cause the disorder. In summary, based on the above information this variant meets our laboratoryâ€šÃ„Ã´s criteria to be classified as pathogenic.

Literature cited by the submitters: PubMed 19471317 (cited by Women's Health and Genetics/Laboratory Corporation of America, LabCorp and Ambry Genetics); PubMed 25447315 (cited by Women's Health and Genetics/Laboratory Corporation of America, LabCorp and Ambry Genetics); PubMed 22608084 (cited by Women's Health and Genetics/Laboratory Corporation of America, LabCorp); PubMed 23754601 (cited by Women's Health and Genetics/Laboratory Corporation of America, LabCorp); PubMed 20625817 (cited by 4 submitters); PubMed 28477318 (cited by Women's Health and Genetics/Laboratory Corporation of America, LabCorp and Labcorp Genetics (formerly Invitae), Labcorp); PubMed 20104584 (cited by Labcorp Genetics (formerly Invitae), Labcorp); PubMed 29446198 (cited by Labcorp Genetics (formerly Invitae), Labcorp and Quest Diagnostics Nichols Institute San Juan Capistrano); PubMed 29470806 (cited by Labcorp Genetics (formerly Invitae), Labcorp and Quest Diagnostics Nichols Institute San Juan Capistrano); PubMed 26295337 (cited by Quest Diagnostics Nichols Institute San Juan Capistrano).